The following is an entry in ClinVar:

ClinVar aggregate classification (germline): Likely benign (1 of 4 stars; one submission).

Submission:

GeneDx
Classification: Likely benign. Last evaluated: 2018-03-02. Review status: criteria provided, single submitter. Criteria: GeneDx Variant Classification (06012015). Collection method: clinical testing. Allele origin: germline. Affected: yes.
Comment: This variant is considered likely benign or benign based on one or more of the following criteria: it is a conservative change, it occurs at a poorly conserved position in the protein, it is predicted to be benign by multiple in silico algorithms, and/or has population frequency not consistent with disease.

NM_004006.3(DMD):c.5840C>A (p.Pro1947Gln)

Gene: DMD (dystrophin; minus strand). Cytogenetic location: Xp21.1.
Variant type: single nucleotide variant.
Coding change: c.5840C>A on transcript NM_004006.3 (MANE Select); coding-DNA position 5840, C replaced by A.
Protein change: p.Pro1947Gln; replaces proline 1947 with glutamine.
Molecular consequence: missense variant.
Genome position (GRCh38, 1-based): chrX:32,342,182, G>T on the plus strand (C>A on the coding strand, the complement: DMD is on the minus strand). VCF-style: chrX-32342182-G-T. GRCh37 (hg19) VCF-style: chrX-32360299-G-T.
Other names: c.5816C>A, p.Pro1939Gln (NM_000109.4); c.5828C>A, p.Pro1943Gln (NM_004009.3); c.5471C>A, p.Pro1824Gln (NM_004010.3); c.1817C>A, p.Pro606Gln (NM_004011.4); c.1808C>A, p.Pro603Gln (NM_004012.4); short protein forms P1939Q, P1943Q, P1947Q, P603Q, P1824Q, P606Q.
Identifiers: ClinVar variation 679985 (VCV000679985.1), dbSNP rs1603631223, ClinGen allele CA412664989.